The following is an entry in ClinVar:

ClinVar aggregate classification (germline): Benign. Review status: criteria provided, multiple submitters, no conflicts (2 of 4 stars). 3 submissions from 3 submitters: Benign (3). Last evaluated 2022-12-01.

Conditions:
Parkinson Disease, Dominant/Recessive.

Allele frequency attached by ClinVar (database versions not stated): gnomAD 0.01006 and 0.00970; ESP Exome Variant Server 0.01092; 1000 Genomes Project 0.00639; 1000 Genomes Project 30x 0.00687; TOPMed 0.00960.
gnomAD v4.1: 20,795 of 1,614,088 alleles (1.3%); highest among the groups gnomAD compares: Non-Finnish European, 1.5%; 158 homozygotes.

Submissions (3):

CeGaT Center for Human Genetics Tuebingen
Classification: Benign. Last evaluated: 2022-12-01. Review status: criteria provided, single submitter. Criteria: CeGaT Center For Human Genetics Tuebingen Variant Classification Criteria Version 2. Collection method: clinical testing. Allele origin: germline. Affected: yes. Observed: 1 variant allele.
Comment: MGC32805: BS1, BS2; SNCAIP: BS1, BS2

Labcorp Genetics (formerly Invitae), Labcorp
Classification: Benign. Last evaluated: 2019-12-31. Review status: criteria provided, single submitter. Criteria: Invitae Variant Classification Sherloc (09022015). Collection method: clinical testing. Allele origin: germline.

Illumina Laboratory Services, Illumina
Classification: Benign for Parkinson Disease, Dominant/Recessive. Last evaluated: 2018-01-13. Review status: criteria provided, single submitter. Criteria: ICSL Variant Classification Criteria 13 December 2019. Collection method: clinical testing. Allele origin: germline.
Comment: This variant was observed in the ICSL laboratory as part of a predisposition screen in an ostensibly healthy population. It had not been previously curated by ICSL or reported in the Human Gene Mutation Database (HGMD: prior to June 1st, 2018), and was therefore a candidate for classification through an automated scoring system. Utilizing variant allele frequency, disease prevalence and penetrance estimates, and inheritance mode, an automated score was calculated to assess if this variant is too frequent to cause the disease. Based on the score and internal cut-off values, a variant classified as benign is not then subjected to further curation. The score for this variant resulted in a classification of benign for this disease.

NM_005460.4(SNCAIP):c.2417G>A (p.Arg806His)

Genes: SNCAIP-AS3 (SNCAIP antisense RNA 3; minus strand), SNCAIP (synuclein alpha interacting protein; plus strand). Cytogenetic location: 5q23.2.
Variant type: single nucleotide variant.
Coding change: c.2417G>A on transcript NM_005460.4 (MANE Select); coding-DNA position 2417, G replaced by A.
Protein change: p.Arg806His; replaces arginine 806 with histidine.
Molecular consequence: missense variant. On other transcripts: non-coding transcript variant (2).
Genome position (GRCh38, 1-based): chr5:122,451,264, G>A. VCF-style: chr5-122451264-G-A. GRCh37 (hg19) VCF-style: chr5-121786959-G-A.
Other names: c.1319G>A, p.Arg440His (NM_001242935.3, NM_001308107.2); c.2558G>A, p.Arg853His (NM_001308100.2); c.2237G>A, p.Arg746His (NM_001308105.1); c.1313G>A, p.Arg438His (NM_001308106.1); c.1499G>A, p.Arg500His (NM_001308108.1); c.1205G>A, p.Arg402His (NM_001308109.2); short protein forms R806H, R440H, R438H, R500H, R746H, R853H, R402H.
Identifiers: ClinVar variation 350502 (VCV000350502.33), dbSNP rs140850272, ClinGen allele CA3385076.